The following is an entry in ClinVar:

NM_002693.3(POLG):c.1976A>C (p.His659Pro)

Gene: POLG (DNA polymerase gamma, catalytic subunit; minus strand). Cytogenetic location: 15q26.1.
Variant type: single nucleotide variant.
Coding change: c.1976A>C on transcript NM_002693.3 (MANE Select); coding-DNA position 1976, A replaced by C.
Protein change: p.His659Pro; replaces histidine 659 with proline.
Molecular consequence: missense variant.
Genome position (GRCh38, 1-based): chr15:89,324,201, T>G on the plus strand (A>C on the coding strand, the complement: POLG is on the minus strand). VCF-style: chr15-89324201-T-G. GRCh37 (hg19) VCF-style: chr15-89867432-T-G.
Other names: c.1976A>C, p.His659Pro (NM_001126131.2); short protein forms H659P.
Identifiers: ClinVar variation 1003962 (VCV001003962.10), dbSNP rs1325564562, ClinGen allele CA393757804.

ClinVar aggregate classification (germline): Uncertain significance. Review status: criteria provided, multiple submitters, no conflicts (2 of 4 stars). 2 submissions from 2 submitters: Uncertain significance (2). Last evaluated 2021-08-05.

Conditions:
Progressive sclerosing poliodystrophy (MTDPS4A). Also called: ALPERS PROGRESSIVE INFANTILE POLIODYSTROPHY; ALPERS DIFFUSE DEGENERATION OF CEREBRAL GRAY MATTER WITH HEPATIC CIRRHOSIS; Alpers-Huttenlocher Syndrome; NEURONAL DEGENERATION OF CHILDHOOD WITH LIVER DISEASE, PROGRESSIVE; Alpers Syndrome; Mitochondrial DNA Depletion Syndrome 4A. Identifiers: Orphanet 726, MedGen C0205710, MONDO:0008758, OMIM 203700.

Allele frequency attached by ClinVar (database versions not stated): gnomAD 0.00001.

Submissions (2):

Athena Diagnostics
Classification: Uncertain significance. Last evaluated: 2021-08-05. Review status: criteria provided, single submitter. Criteria: Athena Diagnostics Criteria. Collection method: clinical testing. Allele origin: unknown.

Labcorp Genetics (formerly Invitae), Labcorp
Classification: Uncertain significance for Progressive sclerosing poliodystrophy. Last evaluated: 2020-02-02. Review status: criteria provided, single submitter. Criteria: Invitae Variant Classification Sherloc (09022015). Collection method: clinical testing. Allele origin: germline.
Comment: This sequence change replaces histidine with proline at codon 659 of the POLG protein (p.His659Pro). The histidine residue is moderately conserved and there is a moderate physicochemical difference between histidine and proline. This variant is not present in population databases (ExAC no frequency). This variant has not been reported in the literature in individuals with POLG-related conditions. Algorithms developed to predict the effect of missense changes on protein structure and function are either unavailable or do not agree on the potential impact of this missense change (SIFT: "Tolerated"; PolyPhen-2: "Possibly Damaging"; Align-GVGD: "Class C0"). In summary, the available evidence is currently insufficient to determine the role of this variant in disease. Therefore, it has been classified as a Variant of Uncertain Significance.